The following is an entry in ClinVar:

NM_002693.3(POLG):c.3104+24G>C

Gene: POLG (DNA polymerase gamma, catalytic subunit; minus strand). Cytogenetic location: 15q26.1.
Variant type: single nucleotide variant.
Coding change: c.3104+24G>C on transcript NM_002693.3 (MANE Select); 24 bases into the intron after coding-DNA position 3104, G replaced by C.
Molecular consequence: intron variant.
Genome position (GRCh38, 1-based): chr15:89,319,204, C>G on the plus strand (G>C on the coding strand, the complement: POLG is on the minus strand). VCF-style: chr15-89319204-C-G. GRCh37 (hg19) VCF-style: chr15-89862435-C-G.
Other names: c.3104+24G>C (NM_001126131.2).
Identifiers: ClinVar variation 619475 (VCV000619475.1), dbSNP rs201483942, ClinGen allele CA7724252.

ClinVar aggregate classification (germline): Likely benign (1 of 4 stars; one submission).

Conditions:
Progressive sclerosing poliodystrophy (MTDPS4A). Also called: Alpers-Huttenlocher Syndrome (AHS); Alpers Syndrome; ALPERS PROGRESSIVE INFANTILE POLIODYSTROPHY; Mitochondrial DNA depletion syndrome 4A (Alpers type); ALPERS DIFFUSE DEGENERATION OF CEREBRAL GRAY MATTER WITH HEPATIC CIRRHOSIS; Alpers-Huttenlocher Syndrome. Identifiers: Orphanet 726, MedGen C0205710, MONDO:0008758, OMIM 203700.

Allele frequency attached by ClinVar (database versions not stated): gnomAD 0.00095 and 0.00100; TOPMed 0.00097; 1000 Genomes Project 0.00120; ESP Exome Variant Server 0.00138; 1000 Genomes Project 30x 0.00187.
gnomAD v4.1: 277 of 1,614,194 alleles (0.017%); highest among the groups gnomAD compares: African/African-American, 0.35%; no homozygotes.

Submission:

Wong Mito Lab, Molecular and Human Genetics, Baylor College of Medicine
Classification: Likely benign for Progressive sclerosing poliodystrophy. Last evaluated: 2018-10-01. Review status: criteria provided, single submitter. Criteria: ACMG Guidelines, 2015. Collection method: clinical testing. Allele origin: germline.
Comment: The NM_002693.2:c.3104+24G>C (NP_002684.1:p.=) [GRCH38: NC_000015.10:g.89319204C>G] variant in POLG gene is interpretated to be a Likely Benign based on ACMG guidelines (PMID: 25741868). This variant meets the following evidence codes reported in the ACMG-guideline. BS1:The minor allele frequency of this allele is high for Mitochondrial DNA depletion syndrome 4A (Alpers type). BP4:Computational evidence/predictors indicate no impact on the POLG structure, function, or protein-protein interaction. BP6:Reputable source(s) without shared data suggest the variant is benign. Based on the evidence criteria codes applied, the variant is suggested to be Likely Benign.